The following is an entry in ClinVar:

ClinVar aggregate classification (germline): Benign. Review status: criteria provided, multiple submitters, no conflicts (2 of 4 stars). 2 submissions from 2 submitters: Benign (2). Last evaluated 2018-06-14.

Allele frequency attached by ClinVar (database versions not stated): gnomAD 0.32058 and 0.33017; TOPMed 0.32830; 1000 Genomes Project 30x 0.42036; 1000 Genomes Project 0.42532.
gnomAD v4.1: 50,097 of 152,052 alleles (33%); highest among the groups gnomAD compares: East Asian, 63%; 8,784 homozygotes.

Submissions (2):

GeneDx
Classification: Benign. Last evaluated: 2018-06-14. Review status: criteria provided, single submitter. Criteria: GeneDx Variant Classification (06012015). Collection method: clinical testing. Allele origin: germline. Affected: yes.
Comment: This variant is considered likely benign or benign based on one or more of the following criteria: it is a conservative change, it occurs at a poorly conserved position in the protein, it is predicted to be benign by multiple in silico algorithms, and/or has population frequency not consistent with disease.

Breakthrough Genomics
Classification: Benign. Review status: criteria provided, single submitter. Criteria: ACMG Guidelines, 2015. Collection method: not provided. Allele origin: germline. Inheritance: Autosomal dominant inheritance. Affected: yes.

NM_006086.4(TUBB3):c.58-185G>A

Gene: TUBB3 (tubulin beta 3 class III; plus strand). Cytogenetic location: 16q24.3.
Variant type: single nucleotide variant.
Coding change: c.58-185G>A on transcript NM_006086.4 (MANE Select); 185 bases into the intron before coding-DNA position 58, G replaced by A.
Molecular consequence: intron variant.
Genome position (GRCh38, 1-based): chr16:89,932,386, G>A. VCF-style: chr16-89932386-G-A. GRCh37 (hg19) VCF-style: chr16-89998794-G-A.
Other names: c.-159-185G>A (NM_001197181.2).
Identifiers: ClinVar variation 670258 (VCV000670258.2), dbSNP rs2302898, ClinGen allele CA14235337.
Genomic context (GRCh38, chr16:89,932,386, plus strand): 5'-TCTGTTGAACCTTGGCCCACCCTGGGGCTGTGGTCGGCCTGGACGTGTAGGTGTGGAGGT[G>A]CATATTTATTATGGCAATTTTCTGACAGGTAACAGAGTGTGGGGCTCTCTTCTGAATGGG-3'